The following is an entry in ClinVar:

ClinVar aggregate classification (germline): Likely benign. Review status: criteria provided, multiple submitters, no conflicts (2 of 4 stars). 4 submissions from 4 submitters: Likely benign (4). Last evaluated 2025-09-10.

Conditions:
Connective tissue disorder. Also called: Connective tissue disease. Identifiers: MedGen C0009782, MONDO:0003900.

Allele frequency attached by ClinVar (database versions not stated): gnomAD exomes 0.00003 and 0.00005; gnomAD 0.00004; TOPMed 0.00004; ExAC 0.00007.
gnomAD v4.1: 55 of 1,603,604 alleles (0.0034%); highest among the groups gnomAD compares: Non-Finnish European, 0.00034%; no homozygotes.

Submissions (4):

Labcorp Genetics (formerly Invitae), Labcorp
Classification: Likely benign. Last evaluated: 2025-09-10. Review status: criteria provided, single submitter. Criteria: Invitae Variant Classification Sherloc (09022015). Collection method: clinical testing. Allele origin: germline.

Blueprint Genetics
Classification: Likely benign. Last evaluated: 2023-07-04. Review status: criteria provided, single submitter. Criteria: ACMG Guidelines, 2015. Collection method: clinical testing. Allele origin: germline.

GeneDx
Classification: Likely benign. Last evaluated: 2018-05-18. Review status: criteria provided, single submitter. Criteria: GeneDx Variant Classification (06012015). Collection method: clinical testing. Allele origin: germline. Affected: yes.
Comment: This variant is considered likely benign or benign based on one or more of the following criteria: it is a conservative change, it occurs at a poorly conserved position in the protein, it is predicted to be benign by multiple in silico algorithms, and/or has population frequency not consistent with disease.

Center for Human Genetics, Inc
Classification: Likely benign for Connective tissue disorder. Last evaluated: 2016-11-01. Review status: criteria provided, single submitter. Criteria: ACMG Guidelines, 2015. Collection method: clinical testing. Allele origin: germline. Affected: yes.

NM_001844.5(COL2A1):c.969+13A>G

Gene: COL2A1 (collagen type II alpha 1 chain; minus strand). Cytogenetic location: 12q13.11.
Variant type: single nucleotide variant.
Coding change: c.969+13A>G on transcript NM_001844.5 (MANE Select); 13 bases into the intron after coding-DNA position 969, A replaced by G.
Molecular consequence: intron variant.
Genome position (GRCh38, 1-based): chr12:47,993,445, T>C on the plus strand (A>G on the coding strand, the complement: COL2A1 is on the minus strand). VCF-style: chr12-47993445-T-C. GRCh37 (hg19) VCF-style: chr12-48387228-T-C.
Other names: c.762+13A>G (NM_033150.3).
Identifiers: ClinVar variation 547249 (VCV000547249.10), dbSNP rs752733598, ClinGen allele CA6535688.
Genomic context (GRCh38, chr12:47,993,445, plus strand): 5'-AGGGAGCTCTTTGCAGCCATCTGATAGTCTGAAGAGTCTTTGATAAACCTTCCTGGAGGG[T>C]GTCCATACTTACCATTGGGCCCGGAGATCCGTTCTCACCCGGGGAACCACTCTCACCCTG-3'